The following is an entry in ClinVar:

ClinVar aggregate classification (germline): Uncertain significance (1 of 4 stars; one submission).

Submission:

GeneDx
Classification: Uncertain significance. Last evaluated: 2015-01-05. Review status: criteria provided, single submitter. Criteria: GeneDx Variant Classification (06012015). Collection method: clinical testing. Allele origin: germline. Affected: yes.
Comment: p.Asn338Thr (AAT>ACT): c.1013 A>C in exon 6 of the TGFBR1 gene (NM_004612.2) The N338T variant of unknown significance in the TGFBR1 gene has not been published as a mutation or as a benign polymorphism to our knowledge. The N338T variant was not observed in approximately 6,500 individuals of European and African American ancestry in the NHLBI Exome Sequencing Project, indicating it is not a common benign variant in these populations. In addition, this substitution occurs at a position that is completely conserved across species. Furthermore, in silico analysis predicts this variant is probably damaging to the protein structure/function. However, the N338T variant is a conservative amino acid substitution, which is not likely to impact secondary protein structure as these residues share similar properties. Additionally, only one missense mutation in a nearby residue (K335Q) has been reported in association with disease. Therefore, based on the currently available information, it is unclear whether this variant is a pathogenic mutation or a rare benign variant. This variant was found in TAADV2-1

NM_004612.4(TGFBR1):c.1013A>C (p.Asn338Thr)

Gene: TGFBR1 (transforming growth factor beta receptor 1; plus strand). Cytogenetic location: 9q22.33.
Variant type: single nucleotide variant.
Coding change: c.1013A>C on transcript NM_004612.4 (MANE Select); coding-DNA position 1013, A replaced by C.
Protein change: p.Asn338Thr; replaces asparagine 338 with threonine.
Molecular consequence: missense variant.
Genome position (GRCh38, 1-based): chr9:99,144,771, A>C. VCF-style: chr9-99144771-A-C. GRCh37 (hg19) VCF-style: chr9-101907053-A-C.
Other names: p.N338T:AAT>ACT; c.782A>C, p.Asn261Thr (NM_001130916.3); c.1025A>C, p.Asn342Thr (NM_001306210.2); short protein forms N338T, N342T, N261T.
Identifiers: ClinVar variation 213886 (VCV000213886.2), dbSNP rs863223821, ClinGen allele CA320985.